The following is an entry in ClinVar:

ClinVar aggregate classification (germline): Likely pathogenic (1 of 4 stars; one submission).

Conditions:
Diamond-Blackfan anemia 1 (DBA1). Also called: RPS19-Related Diamond-Blackfan Anemia; BLACKFAN-DIAMOND SYNDROME; ANEMIA, CONGENITAL HYPOPLASTIC, OF BLACKFAN AND DIAMOND; ANEMIA, CONGENITAL ERYTHROID HYPOPLASTIC; RED CELL APLASIA, PURE, HEREDITARY; AREGENERATIVE ANEMIA, CHRONIC CONGENITAL. Identifiers: Orphanet 124, MedGen C2676137, MONDO:0007110, OMIM 105650.

Submission:

Neuberg Centre For Genomic Medicine, NCGM
Classification: Likely pathogenic for Diamond-Blackfan anemia 1. Review status: criteria provided, single submitter. Criteria: ACMG Guidelines, 2015. Collection method: clinical testing. Allele origin: germline. Inheritance: Autosomal dominant inheritance. Affected: yes.
Comment: The frameshift c.14del p.Thr5MetfsTer2 variant in the RPS19 gene has not been reported previously as a pathogenic variant nor as a benign variant, to our knowledge. The variant is novel not in any individuals in gnomAD Exomes and 1000 Genomes. This variant causes a frameshift starting with codon Threonine 5, changes this amino acid to Methionine residue, and creates a premature Stop codon at position 2 of the new reading frame, denoted p.Thr5MetfsTer2. This variant is predicted to cause loss of normal protein function through protein truncation. Loss of function variants have been previously reported to be disease causing. For these reasons, this variant has been classified as Likely Pathogenic.

NM_001022.4(RPS19):c.14del (p.Thr5fs)

Genes: RPS19 (ribosomal protein S19; plus strand), RPS19-CD79A (RPS19-CD79A readthrough; plus strand). Cytogenetic location: 19q13.2.
Variant type: Deletion.
Coding change: c.14del on transcript NM_001022.4 (MANE Select); coding-DNA position 14, one base deleted (C; older notation c.14delC).
Protein change: p.Thr5fs; shifts the reading frame from threonine 5.
Molecular consequence: frameshift variant.
Genome position (GRCh38, 1-based): chr19:41,860,788, C deleted. VCF-style (leftmost placement, unchanged base first): chr19-41860787-AC-A. GRCh37 (hg19) VCF-style: chr19-42364857-AC-A.
Other names: c.14del, p.Thr5fs (NM_001321483.2, NM_001321484.2, NM_001321485.2); short protein forms T5fs.
Identifiers: ClinVar variation 3234977 (VCV003234977.1), dbSNP rs2513666004, ClinGen allele CA2695228784.